The following is an entry in ClinVar:

NM_005886.3(KATNB1):c.1495T>C (p.Cys499Arg)

Gene: KATNB1 (katanin regulatory subunit B1; plus strand). Cytogenetic location: 16q21.
Variant type: single nucleotide variant.
Coding change: c.1495T>C on transcript NM_005886.3 (MANE Select); coding-DNA position 1495, T replaced by C.
Protein change: p.Cys499Arg; replaces cysteine 499 with arginine.
Molecular consequence: missense variant.
Genome position (GRCh38, 1-based): chr16:57,755,423, T>C. VCF-style: chr16-57755423-T-C. GRCh37 (hg19) VCF-style: chr16-57789335-T-C.
Other names: short protein forms C499R.
Identifiers: ClinVar variation 3391525 (VCV003391525.1).

ClinVar aggregate classification (germline): Uncertain significance (1 of 4 stars; one submission).

gnomAD v4.1: 1 of 1,613,180 alleles (0.000062%); highest among the groups gnomAD compares: Non-Finnish European, 0.000085%; no homozygotes.

Submission:

GeneDx
Classification: Uncertain significance. Last evaluated: 2024-06-20. Review status: criteria provided, single submitter. Criteria: GeneDx Variant Classification Process June 2021. Collection method: clinical testing. Allele origin: germline. Affected: yes.
Comment: Not observed at significant frequency in large population cohorts (gnomAD); In silico analysis supports that this missense variant has a deleterious effect on protein structure/function; Has not been previously published as pathogenic or benign to our knowledge